The following is an entry in ClinVar:

ClinVar aggregate classification (germline): Uncertain significance. Review status: criteria provided, multiple submitters, no conflicts (2 of 4 stars). 2 submissions from 2 submitters: Uncertain significance (2). Last evaluated 2025-01-29.

Conditions:
Inborn genetic diseases. Identifiers: MedGen C0950123, MeSH D030342.

Allele frequency attached by ClinVar (database versions not stated): ExAC 0.00003.
gnomAD v4.1: 5 of 1,613,004 alleles (0.00031%); highest among the groups gnomAD compares: Admixed American, 0.0083%; no homozygotes.

Submissions (2):

Ambry Genetics
Classification: Uncertain significance for Inborn genetic diseases. Last evaluated: 2025-01-29. Review status: criteria provided, single submitter. Criteria: Ambry Variant Classification Scheme 2023. Collection method: clinical testing. Allele origin: germline.

Labcorp Genetics (formerly Invitae), Labcorp
Classification: Uncertain significance. Last evaluated: 2022-05-19. Review status: criteria provided, single submitter. Criteria: Invitae Variant Classification Sherloc (09022015). Collection method: clinical testing. Allele origin: germline.
Comment: This sequence change replaces glutamine, which is neutral and polar, with lysine, which is basic and polar, at codon 446 of the PLAA protein (p.Gln446Lys). This variant is present in population databases (rs200231288, gnomAD 0.01%). This variant has not been reported in the literature in individuals affected with PLAA-related conditions. Algorithms developed to predict the effect of missense changes on protein structure and function are either unavailable or do not agree on the potential impact of this missense change (SIFT: "Tolerated"; PolyPhen-2: "Probably Damaging"; Align-GVGD: "Class C0"). In summary, the available evidence is currently insufficient to determine the role of this variant in disease. Therefore, it has been classified as a Variant of Uncertain Significance.

NM_001031689.3(PLAA):c.1336C>A (p.Gln446Lys)

Gene: PLAA (phospholipase A2 activating protein; minus strand). Cytogenetic location: 9p21.2.
Variant type: single nucleotide variant.
Coding change: c.1336C>A on transcript NM_001031689.3 (MANE Select); coding-DNA position 1336, C replaced by A.
Protein change: p.Gln446Lys; replaces glutamine 446 with lysine.
Molecular consequence: missense variant.
Genome position (GRCh38, 1-based): chr9:26,919,391, G>T on the plus strand (C>A on the coding strand, the complement: PLAA is on the minus strand). VCF-style: chr9-26919391-G-T. GRCh37 (hg19) VCF-style: chr9-26919389-G-T.
Other names: c.1336C>A, p.Gln446Lys (NM_001321546.2); c.1336C>A (NM_001031689.2); short protein forms Q446K.
Identifiers: ClinVar variation 1421159 (VCV001421159.4), dbSNP rs200231288, ClinGen allele CA5014414.